The following is an entry in ClinVar:

ClinVar aggregate classification (germline): Pathogenic (1 of 4 stars; one submission).

Conditions:
Wilms tumor 1 (WT1). Also called: Wilms tumor, somatic. Identifiers: Orphanet 654, MedGen CN033288, MONDO:0008679, OMIM 194070.

Submission:

Labcorp Genetics (formerly Invitae), Labcorp
Classification: Pathogenic for Wilms tumor 1. Last evaluated: 2021-07-18. Review status: criteria provided, single submitter. Criteria: Invitae Variant Classification Sherloc (09022015). Collection method: clinical testing. Allele origin: germline.
Comment: This sequence change creates a premature translational stop signal (p.Lys221Serfs*13) in the GPC3 gene. It is expected to result in an absent or disrupted protein product. Loss-of-function variants in GPC3 are known to be pathogenic (PMID: 10402475, 12713262, 17603795). For these reasons, this variant has been classified as Pathogenic. This premature translational stop signal has been observed in individual(s) with Simpson-Golabi-Behmel syndrome (PMID: 24357529). This variant is not present in population databases (ExAC no frequency).

Literature cited by the submitters: PubMed 10402475; PubMed 12713262; PubMed 17603795; PubMed 24357529.

NM_004484.4(GPC3):c.662del (p.Lys221fs)

Gene: GPC3 (glypican 3; minus strand). Cytogenetic location: Xq26.2.
Variant type: Deletion.
Coding change: c.662del on transcript NM_004484.4 (MANE Select); coding-DNA position 662, one base deleted (A; older notation c.662delA).
Protein change: p.Lys221fs; shifts the reading frame from lysine 221.
Molecular consequence: frameshift variant.
Genome position (GRCh38, 1-based): chrX:133,753,852, T deleted on the plus strand (A on the coding strand, the reverse complement: GPC3 is on the minus strand); the first of 2 consecutive T bases (chrX:133,753,852-133,753,853); deleting either gives the same sequence. VCF-style (leftmost placement, unchanged base first): chrX-133753851-CT-C. GRCh37 (hg19) VCF-style: chrX-132887878-CT-C.
Other names: c.662del, p.Lys221fs (NM_001164617.2); c.614del, p.Lys205fs (NM_001164618.2); c.500del, p.Lys167fs (NM_001164619.2); short protein forms K221fs, K167fs, K205fs.
Identifiers: ClinVar variation 1455674 (VCV001455674.6), dbSNP rs2124480362, ClinGen allele CA915940479.